The following is an entry in ClinVar:

NM_012307.5(EPB41L3):c.1667T>C (p.Leu556Ser)

Gene: EPB41L3 (erythrocyte membrane protein band 4.1 like 3; minus strand). Cytogenetic location: 18p11.31.
Variant type: single nucleotide variant.
Coding change: c.1667T>C on transcript NM_012307.5 (MANE Select); coding-DNA position 1667, T replaced by C.
Protein change: p.Leu556Ser; replaces leucine 556 with serine.
Molecular consequence: missense variant. On other transcripts: intron variant (28).
Genome position (GRCh38, 1-based): chr18:5,416,218, A>G on the plus strand (T>C on the coding strand, the complement: EPB41L3 is on the minus strand). VCF-style: chr18-5416218-A-G. GRCh37 (hg19) VCF-style: chr18-5416217-A-G.
Other names: c.1721T>C, p.Leu574Ser (NM_001384685.1); c.1179+3493T>C (NM_001384702.1, NM_001384706.1, NM_001384705.1 and 1 more transcripts); c.1233+3493T>C (NM_001384683.1, NM_001384699.1, NM_001384704.1 and 4 more transcripts); c.1506+3493T>C (NM_001384696.1, NM_001384692.1, NM_001384694.1 and 2 more transcripts); c.1560+3493T>C (NM_001384697.1, NM_001281534.3, NM_001384686.1 and 9 more transcripts); short protein forms L574S, L556S.
Identifiers: ClinVar variation 4249572 (VCV004249572.2).
Genomic context (GRCh38, chr18:5,416,218, plus strand): 5'-CTGTAGCTAAAAGCCACATCTTGATCCCCTAGGTAAGGCCTCCCTGGGCCATCAGAGTCC[A>G]AGGCGGGCTCTCCAGGCAGGTGCTCAGCTCTGGACGGCTCATAACCTGGCAGTTTGCAGT-3'
Protein context (NP_036439.2, residues 546-566): RAEHLPGEPA[Leu556Ser]DSDGPGRPYL

ClinVar aggregate classification (germline): Uncertain significance. Review status: criteria provided, multiple submitters, no conflicts (2 of 4 stars). 2 submissions from 2 submitters: Uncertain significance (2). Last evaluated 2025-09-27.

gnomAD v4.1: 52 of 1,614,150 alleles (0.0032%); highest among the groups gnomAD compares: South Asian, 0.033%; no homozygotes.

Submissions (2):

Labcorp Genetics (formerly Invitae), Labcorp
Classification: Uncertain significance. Last evaluated: 2025-09-27. Review status: criteria provided, single submitter. Criteria: Invitae Variant Classification Sherloc (09022015). Collection method: clinical testing. Allele origin: germline.
Comment: This sequence change replaces leucine, which is neutral and non-polar, with serine, which is neutral and polar, at codon 556 of the EPB41L3 protein (p.Leu556Ser). This variant is present in population databases (rs745397874, gnomAD 0.05%). This variant has not been reported in the literature in individuals affected with EPB41L3-related conditions. An algorithm developed to predict the effect of missense changes on protein structure and function outputs the following: PolyPhen-2: "Benign". The serine amino acid residue is found in multiple mammalian species, which suggests that this missense change does not adversely affect protein function. In summary, the available evidence is currently insufficient to determine the role of this variant in disease. Therefore, it has been classified as a Variant of Uncertain Significance.

Ambry Genetics
Classification: Uncertain significance. Last evaluated: 2025-08-26. Review status: criteria provided, single submitter. Criteria: Ambry Variant Classification Scheme 2023. Collection method: clinical testing. Allele origin: germline.